The following is an entry in ClinVar:

NM_020750.3(XPO5):c.912-9del

Genes: POLR1C (RNA polymerase I and III subunit C; plus strand), XPO5 (exportin 5; minus strand). Cytogenetic location: 6p21.1.
Variant type: Deletion.
Coding change: c.912-9del on transcript NM_020750.3 (MANE Select); 9 bases into the intron before coding-DNA position 912, one base deleted (A; older notation c.912-9delA).
Molecular consequence: intron variant. On other transcripts: 3 prime UTR variant (1).
Genome position (GRCh38, 1-based): chr6:43,562,355, T deleted on the plus strand (A on the coding strand, the reverse complement: XPO5 is on the minus strand). VCF-style (leftmost placement, unchanged base first): chr6-43562354-AT-A. GRCh37 (hg19) VCF-style: chr6-43530091-AT-A.
Other names: c.*998del (NM_001363658.2).
Identifiers: ClinVar variation 3034549 (VCV003034549.2), dbSNP rs750361482, ClinGen allele CA3826575.

ClinVar aggregate classification (germline): Likely benign (0 of 4 stars; one submission).

Conditions:
XPO5-related disorder. Also called: XPO5-related condition.

Allele frequency attached by ClinVar (database versions not stated): gnomAD 0.00003; TOPMed 0.00003; ExAC 0.00005; gnomAD exomes 0.00002.

Submission:

PreventionGenetics, part of Exact Sciences
Classification: Likely benign for XPO5-related condition. Last evaluated: 2019-07-31. Review status: no assertion criteria provided. Collection method: clinical testing. Allele origin: germline.
Comment: This variant is classified as likely benign based on ACMG/AMP sequence variant interpretation guidelines (Richards et al. 2015 PMID: 25741868, with internal and published modifications).